The following is an entry in ClinVar:

ClinVar aggregate classification (germline): Uncertain significance (1 of 4 stars; one submission).

Allele frequency attached by ClinVar (database versions not stated): ExAC 0.00001; gnomAD 0.00001; TOPMed 0.00002.
gnomAD v4.1: 12 of 1,613,558 alleles (0.00074%); highest among the groups gnomAD compares: African/African-American, 0.004%; no homozygotes.

Submission:

Labcorp Genetics (formerly Invitae), Labcorp
Classification: Uncertain significance. Last evaluated: 2023-11-07. Review status: criteria provided, single submitter. Criteria: Invitae Variant Classification Sherloc (09022015). Collection method: clinical testing. Allele origin: germline.
Comment: This sequence change replaces arginine, which is basic and polar, with histidine, which is basic and polar, at codon 4897 of the PCLO protein (p.Arg4897His). This variant is present in population databases (rs779489243, gnomAD 0.003%). This variant has not been reported in the literature in individuals affected with PCLO-related conditions. ClinVar contains an entry for this variant (Variation ID: 1896273). Experimental studies and prediction algorithms are not available or were not evaluated, and the functional significance of this variant is currently unknown. In summary, the available evidence is currently insufficient to determine the role of this variant in disease. Therefore, it has been classified as a Variant of Uncertain Significance.

NM_033026.6(PCLO):c.14690G>A (p.Arg4897His)

Gene: PCLO (piccolo presynaptic cytomatrix protein; minus strand). Cytogenetic location: 7q21.11.
Variant type: single nucleotide variant.
Coding change: c.14690G>A on transcript NM_033026.6 (MANE Select); coding-DNA position 14690, G replaced by A.
Protein change: p.Arg4897His; replaces arginine 4897 with histidine.
Molecular consequence: missense variant.
Genome position (GRCh38, 1-based): chr7:82,822,596, C>T on the plus strand (G>A on the coding strand, the complement: PCLO is on the minus strand). VCF-style: chr7-82822596-C-T. GRCh37 (hg19) VCF-style: chr7-82451912-C-T.
Other names: c.14690G>A, p.Arg4897His (NM_014510.3); short protein forms R4897H.
Identifiers: ClinVar variation 1896273 (VCV001896273.5), dbSNP rs779489243, ClinGen allele CA4318743.